The following is an entry in ClinVar:

ClinVar aggregate classification (germline): Pathogenic (1 of 4 stars; one submission).

Allele frequency attached by ClinVar (database versions not stated): gnomAD exomes below 0.00001 and 0.00001; ExAC 0.00001; gnomAD 0.00002; TOPMed 0.00002; ESP Exome Variant Server 0.00008.

Submission:

Labcorp Genetics (formerly Invitae), Labcorp
Classification: Pathogenic. Last evaluated: 2021-11-22. Review status: criteria provided, single submitter. Criteria: Invitae Variant Classification Sherloc (09022015). Collection method: clinical testing. Allele origin: germline.
Comment: For these reasons, this variant has been classified as Pathogenic. This variant has not been reported in the literature in individuals affected with GNAT1-related conditions. This variant is present in population databases (rs753761683, gnomAD 0.004%). This sequence change creates a premature translational stop signal (p.Lys18Serfs*2) in the GNAT1 gene. It is expected to result in an absent or disrupted protein product. Loss-of-function variants in GNAT1 are known to be pathogenic (PMID: 11095744, 31736247).

Literature cited by the submitters: PubMed 11095744; PubMed 31736247.

NM_144499.3(GNAT1):c.51del (p.Lys18fs)

Gene: GNAT1 (G protein subunit alpha transducin 1; plus strand). Cytogenetic location: 3p21.31.
Variant type: Deletion.
Coding change: c.51del on transcript NM_144499.3 (MANE Select); coding-DNA position 51, one base deleted (G; older notation c.51delG).
Protein change: p.Lys18fs; shifts the reading frame from lysine 18.
Molecular consequence: frameshift variant.
Genome position (GRCh38, 1-based): chr3:50,191,776, G deleted. VCF-style (leftmost placement, unchanged base first): chr3-50191775-AG-A. GRCh37 (hg19) VCF-style: chr3-50229208-AG-A.
Other names: c.51del, p.Lys18fs (NM_000172.4); short protein forms K18fs.
Identifiers: ClinVar variation 1375618 (VCV001375618.6), dbSNP rs753761683, ClinGen allele CA2412427.